The following is an entry in ClinVar:

NC_000006.11:g.(?_24777475)_(24786027_?)dup

Gene: GMNN (geminin DNA replication inhibitor; plus strand). Cytogenetic location: 6p22.3.
Variant type: Duplication.
Identifiers: ClinVar variation 3246225 (VCV003246225.1).

ClinVar aggregate classification (germline): Uncertain significance (1 of 4 stars; one submission).

Submission:

Labcorp Genetics (formerly Invitae), Labcorp
Classification: Uncertain significance. Last evaluated: 2023-10-17. Review status: criteria provided, single submitter. Criteria: Invitae Variant Classification Sherloc (09022015). Collection method: clinical testing. Allele origin: unknown.
Comment: A copy number gain of the genomic region encompassing the full coding sequence of the GMNN gene has been identified. The boundaries of this event are unknown as they extend beyond the assayed region for this gene and therefore may encompass additional genes. As the precise location of this event is unknown, it may be in tandem or it may be located elsewhere in the genome. This variant has not been reported in the literature in individuals affected with GMNN-related conditions. In summary, the available evidence is currently insufficient to determine the role of this variant in disease. Therefore, it has been classified as a Variant of Uncertain Significance.